The following is an entry in ClinVar:

NM_001039141.3(TRIOBP):c.4429T>C (p.Trp1477Arg)

Gene: TRIOBP (TRIO and F-actin binding protein; plus strand). Cytogenetic location: 22q13.1.
Variant type: single nucleotide variant.
Coding change: c.4429T>C on transcript NM_001039141.3 (MANE Select); coding-DNA position 4429, T replaced by C.
Protein change: p.Trp1477Arg; replaces tryptophan 1477 with arginine.
Molecular consequence: missense variant.
Genome position (GRCh38, 1-based): chr22:37,734,765, T>C. VCF-style: chr22-37734765-T-C. GRCh37 (hg19) VCF-style: chr22-38130772-T-C.
Other names: short protein forms W1477R.
Identifiers: ClinVar variation 930055 (VCV000930055.4), dbSNP rs756650521, ClinGen allele CA10224378.

ClinVar aggregate classification (germline): Likely benign (1 of 4 stars; one submission).

Allele frequency attached by ClinVar (database versions not stated): gnomAD 0.00001; ExAC 0.00002; gnomAD exomes 0.00001; TOPMed 0.00001.
gnomAD v4.1: 12 of 1,610,690 alleles (0.00075%); highest among the groups gnomAD compares: Non-Finnish European, 0.001%; no homozygotes.

Submission:

Laboratory for Molecular Medicine, Mass General Brigham Personalized Medicine
Classification: Likely benign. Last evaluated: 2019-09-13. Review status: criteria provided, single submitter. Criteria: LMM Criteria. Collection method: clinical testing. Allele origin: germline. Observed: 1 variant allele.
Comment: The p.Trp1477Arg variant in TRIOBP is classified as likely benign due to a lack of conservation across species. Three mammals (white rhinoceros, Shrew, Armadillo and platypus) carry an arginine (Arg) at this position. ACMG/AMP Criteria applied: BP4_Strong.